The following is an entry in ClinVar:

NM_002907.4(RECQL):c.1801G>A (p.Glu601Lys)

Genes: PYROXD1 (pyridine nucleotide-disulphide oxidoreductase domain 1; plus strand), RECQL (RecQ like helicase; minus strand). Cytogenetic location: 12p12.1.
Variant type: single nucleotide variant.
Coding change: c.1801G>A on transcript NM_002907.4 (MANE Select); coding-DNA position 1801, G replaced by A.
Protein change: p.Glu601Lys; replaces glutamic acid 601 with lysine.
Molecular consequence: missense variant. On other transcripts: 3 prime UTR variant (3).
Genome position (GRCh38, 1-based): chr12:21,470,343, C>T on the plus strand (G>A on the coding strand, the complement: RECQL is on the minus strand). VCF-style: chr12-21470343-C-T. GRCh37 (hg19) VCF-style: chr12-21623277-C-T.
Other names: c.1801G>A, p.Glu601Lys (NM_032941.3); c.*1589C>T (NM_001350912.2, NM_001350913.2, NM_024854.5); short protein forms E601K.
Identifiers: ClinVar variation 2169810 (VCV002169810.4), dbSNP rs1383372186, ClinGen allele CA384114135.

ClinVar aggregate classification (germline): Uncertain significance (1 of 4 stars; one submission).

Allele frequency attached by ClinVar (database versions not stated): gnomAD exomes below 0.00001; gnomAD 0.00002.
gnomAD v4.1: 7 of 1,375,918 alleles (0.00051%); highest among the groups gnomAD compares: African/African-American, 0.0017%; no homozygotes.

Submission:

Labcorp Genetics (formerly Invitae), Labcorp
Classification: Uncertain significance. Last evaluated: 2024-09-06. Review status: criteria provided, single submitter. Criteria: Invitae Variant Classification Sherloc (09022015). Collection method: clinical testing. Allele origin: germline.
Comment: This sequence change replaces glutamic acid, which is acidic and polar, with lysine, which is basic and polar, at codon 601 of the RECQL protein (p.Glu601Lys). The frequency data for this variant in the population databases is considered unreliable, as metrics indicate poor data quality at this position in the gnomAD database. This variant has not been reported in the literature in individuals affected with RECQL-related conditions. ClinVar contains an entry for this variant (Variation ID: 2169810). An algorithm developed to predict the effect of missense changes on protein structure and function (PolyPhen-2) suggests that this variant is likely to be tolerated. In summary, the available evidence is currently insufficient to determine the role of this variant in disease. Therefore, it has been classified as a Variant of Uncertain Significance.